The following is an entry in ClinVar:

NM_001276270.2(MBD4):c.679A>C (p.Lys227Gln)

Gene: MBD4 (methyl-CpG binding domain 4, DNA glycosylase; minus strand). Cytogenetic location: 3q21.3.
Variant type: single nucleotide variant.
Coding change: c.679A>C on transcript NM_001276270.2 (MANE Select); coding-DNA position 679, A replaced by C.
Protein change: p.Lys227Gln; replaces lysine 227 with glutamine.
Molecular consequence: missense variant. On other transcripts: intron variant (1).
Genome position (GRCh38, 1-based): chr3:129,436,965, T>G on the plus strand (A>C on the coding strand, the complement: MBD4 is on the minus strand). VCF-style: chr3-129436965-T-G. GRCh37 (hg19) VCF-style: chr3-129155808-T-G.
Other names: c.679A>C, p.Lys227Gln (NM_001276271.2, NM_001276272.2, NM_003925.3); c.247+843A>C (NM_001276273.2); short protein forms K227Q.
Identifiers: ClinVar variation 2151247 (VCV002151247.5), dbSNP rs555156371, ClinGen allele CA2605487.

ClinVar aggregate classification (germline): Uncertain significance. Review status: criteria provided, multiple submitters, no conflicts (2 of 4 stars). 2 submissions from 2 submitters: Uncertain significance (2). Last evaluated 2025-09-04.

Conditions:
Inborn genetic diseases. Identifiers: MedGen C0950123, MeSH D030342.

Allele frequency attached by ClinVar (database versions not stated): TOPMed below 0.00001; gnomAD 0.00001; gnomAD exomes 0.00001; ExAC 0.00002; 1000 Genomes Project 0.00040; 1000 Genomes Project 30x 0.00047.
gnomAD v4.1: 17 of 1,614,220 alleles (0.0011%); highest among the groups gnomAD compares: South Asian, 0.019%; no homozygotes.

Submissions (2):

Labcorp Genetics (formerly Invitae), Labcorp
Classification: Uncertain significance. Last evaluated: 2025-09-04. Review status: criteria provided, single submitter. Criteria: Invitae Variant Classification Sherloc (09022015). Collection method: clinical testing. Allele origin: germline.
Comment: This sequence change replaces lysine, which is basic and polar, with glutamine, which is neutral and polar, at codon 227 of the MBD4 protein (p.Lys227Gln). This variant is present in population databases (rs555156371, gnomAD 0.03%). This variant has not been reported in the literature in individuals affected with MBD4-related conditions. ClinVar contains an entry for this variant (Variation ID: 2151247). An algorithm developed to predict the effect of missense changes on protein structure and function (PolyPhen-2) suggests that this variant is likely to be disruptive. In summary, the available evidence is currently insufficient to determine the role of this variant in disease. Therefore, it has been classified as a Variant of Uncertain Significance.

Ambry Genetics
Classification: Uncertain significance for Inborn genetic diseases. Last evaluated: 2025-04-06. Review status: criteria provided, single submitter. Criteria: Ambry Variant Classification Scheme 2023. Collection method: clinical testing. Allele origin: germline.
Comment: The p.K227Q variant (also known as c.679A>C), located in coding exon 3 of the MBD4 gene, results from an A to C substitution at nucleotide position 679. The lysine at codon 227 is replaced by glutamine, an amino acid with similar properties. This amino acid position is conserved. In addition, the in silico prediction for this alteration is inconclusive. Based on the available evidence, the clinical significance of this variant remains unclear.